The following is an entry in ClinVar:

ClinVar aggregate classification (germline): Uncertain significance. Review status: criteria provided, multiple submitters, no conflicts (2 of 4 stars). 3 submissions from 3 submitters: Uncertain significance (2). 1 of the submissions does not count toward it. Last evaluated 2024-04-25.

Conditions:
Rubinstein-Taybi syndrome due to CREBBP mutations (RSTS1). Also called: Rubinstein-Taybi syndrome 1; BROAD THUMBS AND GREAT TOES, CHARACTERISTIC FACIES, AND IMPAIRED INTELLECTUAL DEVELOPMENT; RUBINSTEIN-TAYBI SYNDROME 1, INCOMPLETE; RUBINSTEIN SYNDROME; BROAD THUMB-HALLUX SYNDROME; CREBBP-Related Rubinstein-Taybi Syndrome. Identifiers: Orphanet 353277, Orphanet 783, MedGen C4551859, MONDO:0008393, OMIM 180849.
Menke-Hennekam syndrome 1 (MKHK1). Identifiers: MedGen C5193034, MONDO:0020763, OMIM 618332.
CREBBP-related disorder. Also called: CREBBP-related condition; CREBBP-related disorders.

Allele frequency attached by ClinVar (database versions not stated): TOPMed below 0.00001.
gnomAD v4.1: 1 of 1,614,262 alleles (0.000062%); no homozygotes.

Submissions (3):

Fulgent Genetics
Classification: Uncertain significance for Rubinstein-Taybi syndrome due to CREBBP mutations; Menke-Hennekam syndrome 1. Last evaluated: 2024-04-25. Review status: criteria provided, single submitter. Criteria: ACMG Guidelines, 2015. Collection method: clinical testing. Allele origin: germline.

New York Genome Center
Classification: Uncertain significance for Rubinstein-Taybi syndrome due to CREBBP mutations. Last evaluated: 2020-07-03. Review status: criteria provided, single submitter. Criteria: NYGC Assertion Criteria 2020. Collection method: clinical testing. Allele origin: inherited. Observed: 1 heterozygote. Study: CSER-NYCKidSeq.
Comment: The inherited p.Asp1381Asn missense variant identified in the CREBBP gene has not been reported in affected individuals in the literature. The variant is located in exon 25 of 31. The variant is absent from the gnomAD database indicating it is an extremely rare allele in the general population. The variant affects an evolutionarily conserved residue and is predicted deleterious by multiple in silico prediction tools. Based on the available evidence, the inherited p.Asp1381Asn missense variant identified in the CREBBP gene is assessed as a variant of uncertain significance.

PreventionGenetics, part of Exact Sciences
Classification: Uncertain significance for CREBBP-related condition. Last evaluated: 2024-02-20. Review status: no assertion criteria provided. Collection method: clinical testing. Allele origin: germline. Not counted in ClinVar's aggregate classification.
Comment: The CREBBP c.4141G>A variant is predicted to result in the amino acid substitution p.Asp1381Asn. To our knowledge, this variant has not been reported in the literature or in a large population database, indicating this variant is rare. At this time, the clinical significance of this variant is uncertain due to the absence of conclusive functional and genetic evidence.

NM_004380.3(CREBBP):c.4141G>A (p.Asp1381Asn)

Gene: CREBBP (CREB binding lysine acetyltransferase; minus strand). Cytogenetic location: 16p13.3.
Variant type: single nucleotide variant.
Coding change: c.4141G>A on transcript NM_004380.3 (MANE Select); coding-DNA position 4141, G replaced by A.
Protein change: p.Asp1381Asn; replaces aspartic acid 1381 with asparagine.
Molecular consequence: missense variant.
Genome position (GRCh38, 1-based): chr16:3,739,717, C>T on the plus strand (G>A on the coding strand, the complement: CREBBP is on the minus strand). VCF-style: chr16-3739717-C-T. GRCh37 (hg19) VCF-style: chr16-3789718-C-T.
Other names: c.4027G>A, p.Asp1343Asn (NM_001079846.1); short protein forms D1343N, D1381N.
Identifiers: ClinVar variation 1098627 (VCV001098627.4), dbSNP rs2052155279, ClinGen allele CA394564991.